The following is an entry in ClinVar:

ClinVar aggregate classification (germline): Pathogenic (1 of 4 stars; one submission).

Conditions:
Hereditary cancer-predisposing syndrome. Also called: Tumor predisposition; Hereditary Cancer Syndrome; Hereditary neoplastic syndrome; Neoplastic Syndromes, Hereditary. Identifiers: Orphanet 140162, MedGen C0027672, MeSH D009386, MONDO:0015356.

Submission:

Labcorp Genetics (formerly Invitae), Labcorp
Classification: Pathogenic for Hereditary cancer-predisposing syndrome. Last evaluated: 2023-06-05. Review status: criteria provided, single submitter. Criteria: Invitae Variant Classification Sherloc (09022015). Collection method: clinical testing. Allele origin: germline.
Comment: For these reasons, this variant has been classified as Pathogenic. This variant has not been reported in the literature in individuals affected with RAD50-related conditions. This variant is not present in population databases (gnomAD no frequency). This sequence change creates a premature translational stop signal (p.Leu234*) in the RAD50 gene. It is expected to result in an absent or disrupted protein product. Loss-of-function variants in RAD50 are known to be pathogenic (PMID: 19409520).

Literature cited by the submitters: PubMed 19409520.

NM_005732.4(RAD50):c.701T>A (p.Leu234Ter)

Gene: RAD50 (RAD50 double strand break repair protein; plus strand). Cytogenetic location: 5q31.1.
Variant type: single nucleotide variant.
Coding change: c.701T>A on transcript NM_005732.4 (MANE Select); coding-DNA position 701, T replaced by A.
Protein change: p.Leu234Ter; replaces leucine 234 with a stop codon.
Molecular consequence: nonsense.
Genome position (GRCh38, 1-based): chr5:132,580,011, T>A. VCF-style: chr5-132580011-T-A. GRCh37 (hg19) VCF-style: chr5-131915703-T-A.
Other names: short protein forms L234*.
Identifiers: ClinVar variation 2810848 (VCV002810848.3), dbSNP rs2479617671, ClinGen allele CA360936707.